The following is an entry in ClinVar:

ClinVar aggregate classification (germline): Uncertain significance (1 of 4 stars; one submission).

Allele frequency attached by ClinVar (database versions not stated): gnomAD exomes 0.00001 and 0.00002.
gnomAD v4.1: 28 of 1,551,578 alleles (0.0018%); highest among the groups gnomAD compares: Middle Eastern, 0.017%; no homozygotes.

Submission:

Labcorp Genetics (formerly Invitae), Labcorp
Classification: Uncertain significance. Last evaluated: 2024-10-24. Review status: criteria provided, single submitter. Criteria: Invitae Variant Classification Sherloc (09022015). Collection method: clinical testing. Allele origin: germline.
Comment: This sequence change replaces arginine, which is basic and polar, with glutamine, which is neutral and polar, at codon 523 of the UNC80 protein (p.Arg523Gln). This variant is present in population databases (no rsID available, gnomAD 0.002%). This variant has not been reported in the literature in individuals affected with UNC80-related conditions. ClinVar contains an entry for this variant (Variation ID: 1517456). An algorithm developed to predict the effect of missense changes on protein structure and function (PolyPhen-2) suggests that this variant is likely to be disruptive. In summary, the available evidence is currently insufficient to determine the role of this variant in disease. Therefore, it has been classified as a Variant of Uncertain Significance.

NM_001371986.1(UNC80):c.1568G>A (p.Arg523Gln)

Gene: UNC80 (unc-80 subunit of NALCN channel complex; plus strand). Cytogenetic location: 2q34.
Variant type: single nucleotide variant.
Coding change: c.1568G>A on transcript NM_001371986.1 (MANE Select); coding-DNA position 1568, G replaced by A.
Protein change: p.Arg523Gln; replaces arginine 523 with glutamine.
Molecular consequence: missense variant.
Genome position (GRCh38, 1-based): chr2:209,817,827, G>A. VCF-style: chr2-209817827-G-A. GRCh37 (hg19) VCF-style: chr2-210682551-G-A.
Other names: c.1568G>A, p.Arg523Gln (NM_032504.2, NM_182587.4); short protein forms R523Q.
Identifiers: ClinVar variation 1517456 (VCV001517456.6), dbSNP rs1199212965, ClinGen allele CA350134985.
Genomic context (GRCh38, chr2:209,817,827, plus strand): 5'-TTCAGATTTTAAAACCCTCTTGTGGGGTGCTCTTATTCATCCCAGGGAAATTGACCCGGC[G>A]AGGCAGTTCAGATGCAGCCACTGAGATGGAGAGTCTGAGCGCCAGGCATTCCCACTCCCA-3'
Protein context (NP_001358915.1, residues 513-533): QTTILGKLTR[Arg523Gln]GSSDAATEME